The following is an entry in ClinVar:

NM_001365951.3(KIF1B):c.1490A>C (p.Lys497Thr)

Gene: KIF1B (kinesin family member 1B; plus strand). Cytogenetic location: 1p36.22.
Variant type: single nucleotide variant.
Coding change: c.1490A>C on transcript NM_001365951.3 (MANE Select); coding-DNA position 1490, A replaced by C.
Protein change: p.Lys497Thr; replaces lysine 497 with threonine.
Molecular consequence: missense variant.
Genome position (GRCh38, 1-based): chr1:10,291,137, A>C. VCF-style: chr1-10291137-A-C. GRCh37 (hg19) VCF-style: chr1-10351195-A-C.
Other names: c.1490A>C, p.Lys497Thr (NM_001365952.1); c.1352A>C, p.Lys451Thr (NM_001365953.1, NM_015074.3, NM_183416.4); short protein forms K497T, K451T.
Identifiers: ClinVar variation 3864106 (VCV003864106.1).

ClinVar aggregate classification (germline): Uncertain significance (1 of 4 stars; one submission).

Submission:

Ambry Genetics
Classification: Uncertain significance. Last evaluated: 2025-02-23. Review status: criteria provided, single submitter. Criteria: Ambry Variant Classification Scheme 2023. Collection method: clinical testing. Allele origin: germline.
Comment: The p.K451T variant (also known as c.1352A>C), located in coding exon 13 of the KIF1B gene, results from an A to C substitution at nucleotide position 1352. The lysine at codon 451 is replaced by threonine, an amino acid with similar properties. This amino acid position is conserved. In addition, the in silico prediction for this alteration is inconclusive. Based on the available evidence, the clinical significance of this variant remains unclear.